The following is an entry in ClinVar:

ClinVar aggregate classification (germline): Likely benign (0 of 4 stars; one submission).

Conditions:
AGTR1-related disorder. Also called: AGTR1-related condition.

Allele frequency attached by ClinVar (database versions not stated): gnomAD 0.00001; gnomAD exomes 0.00001; ExAC 0.00002; TOPMed 0.00002.
gnomAD v4.1: 11 of 1,604,104 alleles (0.00069%); highest among the groups gnomAD compares: African/African-American, 0.0053%; no homozygotes.

Submission:

PreventionGenetics, part of Exact Sciences
Classification: Likely benign for AGTR1-related condition. Last evaluated: 2019-02-21. Review status: no assertion criteria provided. Collection method: clinical testing. Allele origin: germline.
Comment: This variant is classified as likely benign based on ACMG/AMP sequence variant interpretation guidelines (Richards et al. 2015 PMID: 25741868, with internal and published modifications).

NM_000685.5(AGTR1):c.339C>T (p.Tyr113=)

Gene: AGTR1 (angiotensin II receptor type 1; plus strand). Cytogenetic location: 3q24.
Variant type: single nucleotide variant.
Coding change: c.339C>T on transcript NM_000685.5 (MANE Select); coding-DNA position 339, C replaced by T.
Protein change: p.Tyr113=; no amino-acid change (tyrosine 113 retained).
Molecular consequence: synonymous variant.
Genome position (GRCh38, 1-based): chr3:148,741,374, C>T. VCF-style: chr3-148741374-C-T. GRCh37 (hg19) VCF-style: chr3-148459161-C-T.
Other names: c.339C>T, p.Tyr113= (NM_001382736.1, NM_001382737.1, NM_004835.5 and 3 more transcripts).
Identifiers: ClinVar variation 3047667 (VCV003047667.2), dbSNP rs949465624, ClinGen allele CA2657314.